The following is an entry in ClinVar:

NM_001378615.1(CC2D2A):c.2362G>C (p.Asp788His)

Genes: CC2D2A (coiled-coil and C2 domain containing 2A; plus strand), FBXL5 (F-box and leucine rich repeat protein 5; minus strand). Cytogenetic location: 4p15.32.
Variant type: single nucleotide variant.
Coding change: c.2362G>C on transcript NM_001378615.1 (MANE Select); coding-DNA position 2362, G replaced by C.
Protein change: p.Asp788His; replaces aspartic acid 788 with histidine.
Molecular consequence: missense variant.
Genome position (GRCh38, 1-based): chr4:15,553,181, G>C. VCF-style: chr4-15553181-G-C. GRCh37 (hg19) VCF-style: chr4-15554804-G-C.
Other names: c.2362G>C, p.Asp788His (NM_001080522.2); c.2215G>C, p.Asp739His (NM_001378617.1); short protein forms D788H, D739H.
Identifiers: ClinVar variation 1393091 (VCV001393091.6), dbSNP rs2109052993, ClinGen allele CA356418641.
Genomic context (GRCh38, chr4:15,553,181, plus strand): 5'-TCTAAACAGCATCCTGTTTAATCTGGTGTTTCCCCAGGAGTGCCCTTCTCATTTGAAGCT[G>C]ATGGCAGTAACCAGCTGACTCTGATGACCTCAGGGAAAGTGTCTCATAGTGTGGCATGGG-3'
Protein context (NP_001365544.1, residues 778-798): GSGVPFSFEA[Asp788His]GSNQLTLMTS

ClinVar aggregate classification (germline): Uncertain significance (1 of 4 stars; one submission).

Conditions:
Joubert syndrome. Also called: JOUBERT-BOLTSHAUSER SYNDROME; Familial aplasia of the vermis. Identifiers: Orphanet 475, MedGen C5979921, MONDO:0018772.
Meckel-Gruber syndrome. Also called: DYSENCEPHALIA SPLANCHNOCYSTICA; GRUBER SYNDROME; Dysencephalia splachnocystica. Identifiers: Orphanet 564, MedGen C0265215, MONDO:0018921.

Submission:

Labcorp Genetics (formerly Invitae), Labcorp
Classification: Uncertain significance for Joubert syndrome; Meckel-Gruber syndrome. Last evaluated: 2022-06-28. Review status: criteria provided, single submitter. Criteria: Invitae Variant Classification Sherloc (09022015). Collection method: clinical testing. Allele origin: germline.
Comment: In summary, the available evidence is currently insufficient to determine the role of this variant in disease. Therefore, it has been classified as a Variant of Uncertain Significance. Advanced modeling of protein sequence and biophysical properties (such as structural, functional, and spatial information, amino acid conservation, physicochemical variation, residue mobility, and thermodynamic stability) performed at Invitae indicates that this missense variant is expected to disrupt CC2D2A protein function. This variant has not been reported in the literature in individuals affected with CC2D2A-related conditions. This variant is not present in population databases (gnomAD no frequency). This sequence change replaces aspartic acid, which is acidic and polar, with histidine, which is basic and polar, at codon 788 of the CC2D2A protein (p.Asp788His).